The following is an entry in ClinVar:

ClinVar aggregate classification (germline): Uncertain significance. Review status: criteria provided, multiple submitters, no conflicts (2 of 4 stars). 2 submissions from 2 submitters: Uncertain significance (2). Last evaluated 2025-08-06.

Conditions:
VPS13B-related disorder. Also called: VPS13B-related condition.
Cohen syndrome (COH1). Also called: Cutis verticis gyrata, retinitis pigmentosa, and sensorineural deafness; PEPPER SYNDROME. Identifiers: Orphanet 193, MedGen C0265223, MONDO:0008999, OMIM 216550.

Allele frequency attached by ClinVar (database versions not stated): gnomAD exomes below 0.00001; TOPMed 0.00001.
gnomAD v4.1: 1 of 1,605,802 alleles (0.000062%); highest among the groups gnomAD compares: Non-Finnish European, 0.000085%; no homozygotes.

Submissions (2):

PreventionGenetics, part of Exact Sciences
Classification: Uncertain significance for VPS13B-related condition. Last evaluated: 2025-08-06. Review status: criteria provided, single submitter. Criteria: ACMG Guidelines, 2015. Collection method: clinical testing. Allele origin: germline.
Comment: The VPS13B c.9406C>T variant is predicted to result in the amino acid substitution p.Leu3136Phe. To our knowledge, this variant has not been reported in the literature or in a large population database (gnomAD), indicating this variant is rare. At this time, the clinical significance of this variant is uncertain due to the absence of conclusive functional and genetic evidence.

Labcorp Genetics (formerly Invitae), Labcorp
Classification: Uncertain significance for Cohen syndrome. Last evaluated: 2023-12-06. Review status: criteria provided, single submitter. Criteria: Invitae Variant Classification Sherloc (09022015). Collection method: clinical testing. Allele origin: germline.
Comment: This sequence change replaces leucine, which is neutral and non-polar, with phenylalanine, which is neutral and non-polar, at codon 3161 of the VPS13B protein (p.Leu3161Phe). This variant is not present in population databases (gnomAD no frequency). This variant has not been reported in the literature in individuals affected with VPS13B-related conditions. ClinVar contains an entry for this variant (Variation ID: 1024103). Advanced modeling of protein sequence and biophysical properties (such as structural, functional, and spatial information, amino acid conservation, physicochemical variation, residue mobility, and thermodynamic stability) performed at Invitae indicates that this missense variant is not expected to disrupt VPS13B protein function with a negative predictive value of 80%. In summary, the available evidence is currently insufficient to determine the role of this variant in disease. Therefore, it has been classified as a Variant of Uncertain Significance.

NM_152564.5(VPS13B):c.9406C>T (p.Leu3136Phe)

Gene: VPS13B (vacuolar protein sorting 13 homolog B; plus strand). Cytogenetic location: 8q22.2.
Variant type: single nucleotide variant.
Coding change: c.9406C>T on transcript NM_152564.5 (MANE Select); coding-DNA position 9406, C replaced by T.
Protein change: p.Leu3136Phe; replaces leucine 3136 with phenylalanine.
Molecular consequence: missense variant.
Genome position (GRCh38, 1-based): chr8:99,832,444, C>T. VCF-style: chr8-99832444-C-T. GRCh37 (hg19) VCF-style: chr8-100844672-C-T.
Other names: c.9481C>T, p.Leu3161Phe (NM_017890.5); c.9406C>T (NM_152564.4); short protein forms L3136F, L3161F.
Identifiers: ClinVar variation 1024103 (VCV001024103.7), dbSNP rs1815131065, ClinGen allele CA371781354.